The following is an entry in ClinVar:

ClinVar aggregate classification (germline): Benign/Likely benign. Review status: criteria provided, multiple submitters, no conflicts (2 of 4 stars). 10 submissions from 10 submitters: Benign (5); Likely benign (4). 1 of the submissions does not count toward it. Last evaluated 2026-01-15.

Conditions:
COL3A1-related disorder. Also called: COL3A1-related condition.
Familial thoracic aortic aneurysm and aortic dissection (TAAD). Also called: Thoracic aortic aneurysms and dissections. Identifiers: Orphanet 91387, MedGen C4707243, MONDO:0019625.
Ehlers-Danlos syndrome, type 4 (EDSVASC). Also called: Ehlers-Danlos syndrome vascular type; Ehlers Danlos syndrome, ecchymotic type; Ehlers Danlos syndrome, arterial type; Ehlers Danlos syndrome, Sack-Barabas type; Ehlers-Danlos Syndrome Type IV. Identifiers: Orphanet 286, MedGen C0268338, MONDO:0017314, OMIM 130050.

Allele frequency attached by ClinVar (database versions not stated): gnomAD 0.00006; TOPMed 0.00009; 1000 Genomes Project 30x 0.00094; 1000 Genomes Project 0.00100.
gnomAD v4.1: 213 of 1,614,200 alleles (0.013%); highest among the groups gnomAD compares: East Asian, 0.37%; no homozygotes.

Submissions (10):

Labcorp Genetics (formerly Invitae), Labcorp
Classification: Benign for Ehlers-Danlos syndrome, type 4. Last evaluated: 2026-01-15. Review status: criteria provided, single submitter. Criteria: Invitae Variant Classification Sherloc (09022015). Collection method: clinical testing. Allele origin: germline.

Blueprint Genetics
Classification: Likely benign. Last evaluated: 2024-10-15. Review status: criteria provided, single submitter. Criteria: ACMG Guidelines, 2015. Collection method: clinical testing. Allele origin: germline.

Women's Health and Genetics/Laboratory Corporation of America, LabCorp
Classification: Benign. Last evaluated: 2021-06-21. Review status: criteria provided, single submitter. Criteria: LabCorp Variant Classification Summary - May 2015. Collection method: clinical testing. Allele origin: germline.
Comment: Variant summary: COL3A1 c.3061C>A (p.Leu1021Ile) results in a conservative amino acid change in the encoded protein sequence. Three of five in-silico tools predict a benign effect of the variant on protein function. The variant allele was found at a frequency of 0.00043 in 251396 control chromosomes. The observed variant frequency is approximately 286 fold of the estimated maximal expected allele frequency for a pathogenic variant in COL3A1 causing Ehlers-Danlos Syndrome, Vascular Type phenotype (1.5e-06), strongly suggesting that the variant is benign. Six clinical diagnostic laboratories have submitted clinical-significance assessments for this variant to ClinVar after 2014 without evidence for independent evaluation. All laboratories classified the variant as benign/likely benign. Based on the evidence outlined above, the variant was classified as benign.

CHEO Genetics Diagnostic Laboratory, Children's Hospital of Eastern Ontario
Classification: Benign for Familial thoracic aortic aneurysm and aortic dissection. Last evaluated: 2019-08-08. Review status: criteria provided, single submitter. Criteria: ACMG Guidelines, 2015. Collection method: clinical testing. Allele origin: germline.

Color Diagnostics, LLC DBA Color Health
Classification: Benign for Familial thoracic aortic aneurysm and aortic dissection. Last evaluated: 2018-10-03. Review status: criteria provided, single submitter. Criteria: ACMG Guidelines, 2015. Collection method: clinical testing. Allele origin: germline.

Ambry Genetics
Classification: Likely benign for Familial thoracic aortic aneurysm and aortic dissection. Last evaluated: 2018-04-11. Review status: criteria provided, single submitter. Criteria: Ambry Variant Classification Scheme 2023. Collection method: clinical testing. Allele origin: germline.

Illumina Laboratory Services, Illumina
Classification: Benign for Ehlers-Danlos syndrome, type 4. Last evaluated: 2018-01-13. Review status: criteria provided, single submitter. Criteria: ICSL Variant Classification Criteria 13 December 2019. Collection method: clinical testing. Allele origin: germline.
Comment: This variant was observed in the ICSL laboratory as part of a predisposition screen in an ostensibly healthy population. It had not been previously curated by ICSL or reported in the Human Gene Mutation Database (HGMD: prior to June 1st, 2018), and was therefore a candidate for classification through an automated scoring system. Utilizing variant allele frequency, disease prevalence and penetrance estimates, and inheritance mode, an automated score was calculated to assess if this variant is too frequent to cause the disease. Based on the score and internal cut-off values, a variant classified as benign is not then subjected to further curation. The score for this variant resulted in a classification of benign for this disease.

GeneDx
Classification: Likely benign. Last evaluated: 2017-02-14. Review status: criteria provided, single submitter. Criteria: GeneDx Variant Classification (06012015). Collection method: clinical testing. Allele origin: germline. Affected: yes.
Comment: This variant is considered likely benign or benign based on one or more of the following criteria: it is a conservative change, it occurs at a poorly conserved position in the protein, it is predicted to be benign by multiple in silico algorithms, and/or has population frequency not consistent with disease.

ARUP Laboratories, Molecular Genetics and Genomics, ARUP Laboratories
Classification: Likely benign. Last evaluated: 2016-09-23. Review status: criteria provided, single submitter. Criteria: ARUP Molecular Germline Variant Investigation Process. Collection method: clinical testing. Allele origin: germline.

PreventionGenetics, part of Exact Sciences
Classification: Uncertain significance for COL3A1-related condition. Last evaluated: 2023-12-04. Review status: no assertion criteria provided. Collection method: clinical testing. Allele origin: germline. Not counted in ClinVar's aggregate classification.
Comment: The COL3A1 c.3061C>A variant is predicted to result in the amino acid substitution p.Leu1021Ile. This variant was reported in an individual with aortic dissection, Stanford type A. However, other potentially relevant variants in other genes were also identified (Patient A180, Table 3, Chen et al. 2021. PubMed ID: 34422331). This variant is reported in 0.52% of alleles in individuals of East Asian descent in gnomAD, which is higher than expected for a highly penetrant pathogenic variant (no homozygotes have been identified, however). Although we suspect that this variant may be benign, at this time, the clinical significance of this variant is uncertain due to the absence of conclusive functional and genetic evidence.

NM_000090.4(COL3A1):c.3061C>A (p.Leu1021Ile)

Gene: COL3A1 (collagen type III alpha 1 chain; plus strand). Cytogenetic location: 2q32.2.
Variant type: single nucleotide variant.
Coding change: c.3061C>A on transcript NM_000090.4 (MANE Select); coding-DNA position 3061, C replaced by A.
Protein change: p.Leu1021Ile; replaces leucine 1021 with isoleucine.
Molecular consequence: missense variant.
Genome position (GRCh38, 1-based): chr2:189,006,227, C>A. VCF-style: chr2-189006227-C-A. GRCh37 (hg19) VCF-style: chr2-189870953-C-A.
Other names: p.L1021I:CTT>ATT; short protein forms L1021I.
Identifiers: ClinVar variation 199737 (VCV000199737.33), dbSNP rs139619440, ClinGen allele CA005999.